The following is an entry in ClinVar:

ClinVar aggregate classification (germline): Uncertain significance. Review status: criteria provided, multiple submitters, no conflicts (2 of 4 stars). 4 submissions from 4 submitters: Uncertain significance (4). Last evaluated 2025-07-31.

Conditions:
Inborn genetic diseases. Identifiers: MedGen C0950123, MeSH D030342.
Cenani-Lenz syndactyly syndrome. Also called: SYNDACTYLY, TYPE VII; CENANI SYNDACTYLISM. Identifiers: Orphanet 3258, MedGen C1859309, MONDO:0008931, OMIM 212780.
Congenital myasthenic syndrome 17. Identifiers: Orphanet 590, MedGen C4225377, MONDO:0014578, OMIM 616304.
Sclerosteosis 2 (SOST2). Identifiers: Orphanet 3152, MedGen C3280402, MONDO:0013679, OMIM 614305.

Allele frequency attached by ClinVar (database versions not stated): ExAC 0.00002; gnomAD 0.00002; gnomAD exomes 0.00002 and 0.00003; TOPMed 0.00002; ESP Exome Variant Server 0.00008.
gnomAD v4.1: 48 of 1,614,096 alleles (0.003%); highest among the groups gnomAD compares: East Asian, 0.0045%; no homozygotes.

Submissions (4):

Ambry Genetics
Classification: Uncertain significance for Inborn genetic diseases. Last evaluated: 2025-07-31. Review status: criteria provided, single submitter. Criteria: Ambry Variant Classification Scheme 2023. Collection method: clinical testing. Allele origin: germline.

Labcorp Genetics (formerly Invitae), Labcorp
Classification: Uncertain significance for Cenani-Lenz syndactyly syndrome; Sclerosteosis 2; Congenital myasthenic syndrome 17. Last evaluated: 2022-10-18. Review status: criteria provided, single submitter. Criteria: Invitae Variant Classification Sherloc (09022015). Collection method: clinical testing. Allele origin: germline.
Comment: This sequence change replaces arginine, which is basic and polar, with cysteine, which is neutral and slightly polar, at codon 479 of the LRP4 protein (p.Arg479Cys). This variant is present in population databases (rs143207358, gnomAD 0.005%). This variant has not been reported in the literature in individuals affected with LRP4-related conditions. ClinVar contains an entry for this variant (Variation ID: 304888). Advanced modeling of protein sequence and biophysical properties (such as structural, functional, and spatial information, amino acid conservation, physicochemical variation, residue mobility, and thermodynamic stability) performed at Invitae indicates that this missense variant is not expected to disrupt LRP4 protein function. In summary, the available evidence is currently insufficient to determine the role of this variant in disease. Therefore, it has been classified as a Variant of Uncertain Significance.

Fulgent Genetics
Classification: Uncertain significance for Cenani-Lenz syndactyly syndrome; Sclerosteosis 2; Congenital myasthenic syndrome 17. Last evaluated: 2021-09-28. Review status: criteria provided, single submitter. Criteria: ACMG Guidelines, 2015. Collection method: clinical testing. Allele origin: unknown.

Illumina Laboratory Services, Illumina
Classification: Uncertain significance for Cenani-Lenz syndactyly syndrome. Last evaluated: 2018-01-13. Review status: criteria provided, single submitter. Criteria: ICSL Variant Classification Criteria 13 December 2019. Collection method: clinical testing. Allele origin: germline.

NM_002334.4(LRP4):c.1435C>T (p.Arg479Cys)

Gene: LRP4 (LDL receptor related protein 4; minus strand). Cytogenetic location: 11p11.2.
Variant type: single nucleotide variant.
Coding change: c.1435C>T on transcript NM_002334.4 (MANE Select); coding-DNA position 1435, C replaced by T.
Protein change: p.Arg479Cys; replaces arginine 479 with cysteine.
Molecular consequence: missense variant.
Genome position (GRCh38, 1-based): chr11:46,894,694, G>A on the plus strand (C>T on the coding strand, the complement: LRP4 is on the minus strand). VCF-style: chr11-46894694-G-A. GRCh37 (hg19) VCF-style: chr11-46916245-G-A.
Other names: short protein forms R479C.
Identifiers: ClinVar variation 304888 (VCV000304888.11), dbSNP rs143207358, ClinGen allele CA5970152.